The following is an entry in ClinVar:

ClinVar aggregate classification (germline): Uncertain significance. Review status: criteria provided, multiple submitters, no conflicts (2 of 4 stars). 2 submissions from 2 submitters: Uncertain significance (2). Last evaluated 2025-02-05.

Conditions:
Colorectal cancer, susceptibility to, 1. Also called: COLORECTAL ADENOMA AND CANCER, SUSCEPTIBILITY TO; COLORECTAL CANCER, SUSCEPTIBILITY TO, ON CHROMOSOME 9. Identifiers: MedGen C1837315, MONDO:0012132, OMIM 608812.

Allele frequency attached by ClinVar (database versions not stated): gnomAD exomes below 0.00001.
gnomAD v4.1: 3 of 1,106,528 alleles (0.00027%); highest among the groups gnomAD compares: Non-Finnish European, 0.00033%; no homozygotes.

Submissions (2):

Ambry Genetics
Classification: Uncertain significance. Last evaluated: 2025-02-05. Review status: criteria provided, single submitter. Criteria: Ambry Variant Classification Scheme 2023. Collection method: clinical testing. Allele origin: germline.
Comment: The p.L33P variant (also known as c.98T>C), located in coding exon 1 of the GALNT12 gene, results from a T to C substitution at nucleotide position 98. The leucine at codon 33 is replaced by proline, an amino acid with similar properties. This amino acid position is conserved. In addition, this alteration is predicted to be tolerated by in silico analysis. Since supporting evidence is limited at this time, the clinical significance of this alteration remains unclear.

Baylor Genetics
Classification: Uncertain significance for Colorectal cancer, susceptibility to, 1. Last evaluated: 2023-06-14. Review status: criteria provided, single submitter. Criteria: ACMG Guidelines, 2015. Collection method: clinical testing. Allele origin: unknown.

NM_024642.5(GALNT12):c.98T>C (p.Leu33Pro)

Genes: GALNT12 (polypeptide N-acetylgalactosaminyltransferase 12; plus strand), LOC130002222 (ATAC-STARR-seq lymphoblastoid silent region 20123; plus strand). Cytogenetic location: 9q22.33.
Variant type: single nucleotide variant.
Coding change: c.98T>C on transcript NM_024642.5 (MANE Select); coding-DNA position 98, T replaced by C.
Protein change: p.Leu33Pro; replaces leucine 33 with proline.
Molecular consequence: missense variant.
Genome position (GRCh38, 1-based): chr9:98,807,796, T>C. VCF-style: chr9-98807796-T-C. GRCh37 (hg19) VCF-style: chr9-101570078-T-C.
Other names: short protein forms L33P.
Identifiers: ClinVar variation 1768556 (VCV001768556.5), dbSNP rs2490455022, ClinGen allele CA374222260.